The following is an entry in ClinVar:

NM_032119.4(ADGRV1):c.13375T>C (p.Phe4459Leu)

Gene: ADGRV1 (adhesion G protein-coupled receptor V1; plus strand). Cytogenetic location: 5q14.3.
Variant type: single nucleotide variant.
Coding change: c.13375T>C on transcript NM_032119.4 (MANE Select); coding-DNA position 13375, T replaced by C.
Protein change: p.Phe4459Leu; replaces phenylalanine 4459 with leucine.
Molecular consequence: missense variant. On other transcripts: non-coding transcript variant (1).
Genome position (GRCh38, 1-based): chr5:90,783,267, T>C. VCF-style: chr5-90783267-T-C. GRCh37 (hg19) VCF-style: chr5-90079084-T-C.
Other names: c.13375T>C (NM_032119.3); short protein forms F4459L.
Identifiers: ClinVar variation 1349746 (VCV001349746.4), dbSNP rs754609097, ClinGen allele CA3341507.
Genomic context (GRCh38, chr5:90,783,267, plus strand): 5'-CAGAGCTCCTCTGCCAGTCCCGGAGGTGTTGATTACATTTTGCATGGCAGTACAGTCACC[T>C]TTCAGCATGGGCAAAACTTAAGTTTTATAAATATCTCCATCATTGATGACAATGAAAGGT-3'
Protein context (NP_115495.3, residues 4449-4469): DYILHGSTVT[Phe4459Leu]QHGQNLSFIN

ClinVar aggregate classification (germline): Uncertain significance. Review status: criteria provided, multiple submitters, no conflicts (2 of 4 stars). 2 submissions from 2 submitters: Uncertain significance (2). Last evaluated 2024-10-07.

Conditions:
Inborn genetic diseases. Identifiers: MedGen C0950123, MeSH D030342.

Allele frequency attached by ClinVar (database versions not stated): gnomAD exomes below 0.00001; ExAC 0.00001; gnomAD 0.00001; TOPMed 0.00003.
gnomAD v4.1: 2 of 1,613,454 alleles (0.00012%); highest among the groups gnomAD compares: Admixed American, 0.0017%; no homozygotes.

Submissions (2):

Ambry Genetics
Classification: Uncertain significance for Inborn genetic diseases. Last evaluated: 2024-10-07. Review status: criteria provided, single submitter. Criteria: Ambry Variant Classification Scheme 2023. Collection method: clinical testing. Allele origin: germline.

Labcorp Genetics (formerly Invitae), Labcorp
Classification: Uncertain significance. Last evaluated: 2021-10-22. Review status: criteria provided, single submitter. Criteria: Invitae Variant Classification Sherloc (09022015). Collection method: clinical testing. Allele origin: germline.
Comment: This sequence change replaces phenylalanine with leucine at codon 4459 of the ADGRV1 protein (p.Phe4459Leu). The phenylalanine residue is highly conserved and there is a small physicochemical difference between phenylalanine and leucine. This variant is present in population databases (rs754609097, ExAC 0.009%). This variant has not been reported in the literature in individuals affected with ADGRV1-related conditions. Algorithms developed to predict the effect of missense changes on protein structure and function are either unavailable or do not agree on the potential impact of this missense change (SIFT: "Deleterious"; PolyPhen-2: "Probably Damaging"; Align-GVGD: "Class C0"). In summary, the available evidence is currently insufficient to determine the role of this variant in disease. Therefore, it has been classified as a Variant of Uncertain Significance.